The following is an entry in ClinVar:

ClinVar aggregate classification (germline): Uncertain significance (1 of 4 stars; one submission).

Conditions:
Hereditary cancer-predisposing syndrome. Also called: Hereditary neoplastic syndrome; Neoplastic Syndromes, Hereditary; Tumor predisposition; Hereditary Cancer Syndrome. Identifiers: Orphanet 140162, MedGen C0027672, MeSH D009386, MONDO:0015356.

Submission:

Ambry Genetics
Classification: Uncertain significance for Hereditary cancer-predisposing syndrome. Last evaluated: 2025-02-14. Review status: criteria provided, single submitter. Criteria: Ambry Variant Classification Scheme 2023. Collection method: clinical testing. Allele origin: germline.
Comment: The p.I249T variant (also known as c.746T>C), located in coding exon 7 of the EPCAM gene, results from a T to C substitution at nucleotide position 746. The isoleucine at codon 249 is replaced by threonine, an amino acid with similar properties. This amino acid position is conserved. In addition, this alteration is predicted to be deleterious by in silico analysis. Based on the available evidence, the clinical significance of this variant remains unclear.

NM_002354.3(EPCAM):c.746T>C (p.Ile249Thr)

Gene: EPCAM (epithelial cell adhesion molecule; plus strand). Cytogenetic location: 2p21.
Variant type: single nucleotide variant.
Coding change: c.746T>C on transcript NM_002354.3 (MANE Select); coding-DNA position 746, T replaced by C.
Protein change: p.Ile249Thr; replaces isoleucine 249 with threonine.
Molecular consequence: missense variant.
Genome position (GRCh38, 1-based): chr2:47,379,857, T>C. VCF-style: chr2-47379857-T-C. GRCh37 (hg19) VCF-style: chr2-47606996-T-C.
Other names: short protein forms I249T.
Identifiers: ClinVar variation 3845307 (VCV003845307.1).